The following is an entry in ClinVar:

NM_000051.4(ATM):c.6198G>A (p.Gln2066=)

Genes: ATM (ATM serine/threonine kinase; plus strand), C11orf65 (chromosome 11 open reading frame 65; minus strand). Cytogenetic location: 11q22.3.
Variant type: single nucleotide variant.
Coding change: c.6198G>A on transcript NM_000051.4 (MANE Select); coding-DNA position 6198, G replaced by A.
Protein change: p.Gln2066=; no amino-acid change (glutamine 2066 retained).
Molecular consequence: synonymous variant. On other transcripts: intron variant (2).
Genome position (GRCh38, 1-based): chr11:108,316,113, G>A. VCF-style: chr11-108316113-G-A. GRCh37 (hg19) VCF-style: chr11-108186840-G-A.
Other names: c.6198G>A, p.Gln2066= (NM_001351834.2); c.641-7042C>T (NM_001330368.2); c.*39-7042C>T (NM_001351110.2).
Identifiers: ClinVar variation 485182 (VCV000485182.10), dbSNP rs786203341, ClinGen allele CA476675817.

ClinVar aggregate classification (germline): Uncertain significance. Review status: criteria provided, multiple submitters, no conflicts (2 of 4 stars). 2 submissions from 2 submitters: Uncertain significance (2). Last evaluated 2025-10-15.

Conditions:
Hereditary cancer-predisposing syndrome. Also called: Neoplastic Syndromes, Hereditary; Hereditary Cancer Syndrome; Tumor predisposition; Hereditary neoplastic syndrome. Identifiers: Orphanet 140162, MedGen C0027672, MeSH D009386, MONDO:0015356.
Ataxia-telangiectasia syndrome (AT). Also called: LOUIS-BAR SYNDROME; Cerebello-oculocutaneous telangiectasia; Immunodeficiency with ataxia telangiectasia; Ataxia-telangiectasia, complementation group D; AT, COMPLEMENTATION GROUP C; Ataxia-telangiectasia, complementation group E. Identifiers: Orphanet 100, MedGen C0004135, MONDO:0008840, OMIM 208900.

Submissions (2):

Ambry Genetics
Classification: Uncertain significance for Hereditary cancer-predisposing syndrome. Last evaluated: 2025-10-15. Review status: criteria provided, single submitter. Criteria: Ambry Variant Classification Scheme 2023. Collection method: clinical testing. Allele origin: germline.
Comment: The c.6198G>A variant (also known as p.Q2066Q), located in coding exon 41 of the ATM gene, results from a G to A substitution at nucleotide position 6198. This nucleotide substitution does not change the glutamine at codon 2066. However, this change occurs in the last base pair of coding exon 41, which makes it likely to have some effect on normal mRNA splicing. This nucleotide position is highly conserved in available vertebrate species. In silico splice site analysis predicts that this alteration will weaken the native splice donor site and may result in the creation or strengthening of a novel splice donor site. Based on the available evidence, the clinical significance of this variant remains unclear.

Labcorp Genetics (formerly Invitae), Labcorp
Classification: Uncertain significance for Ataxia-telangiectasia syndrome. Last evaluated: 2023-07-25. Review status: criteria provided, single submitter. Criteria: Invitae Variant Classification Sherloc (09022015). Collection method: clinical testing. Allele origin: germline.
Comment: This sequence change affects codon 2066 of the ATM mRNA. It is a 'silent' change, meaning that it does not change the encoded amino acid sequence of the ATM protein. This variant also falls at the last nucleotide of exon 42, which is part of the consensus splice site for this exon. In summary, the available evidence is currently insufficient to determine the role of this variant in disease. Therefore, it has been classified as a Variant of Uncertain Significance. Variants that disrupt the consensus splice site are a relatively common cause of aberrant splicing (PMID: 17576681, 9536098). Algorithms developed to predict the effect of sequence changes on RNA splicing suggest that this variant may disrupt the consensus splice site. ClinVar contains an entry for this variant (Variation ID: 485182). This variant has not been reported in the literature in individuals affected with ATM-related conditions. This variant is not present in population databases (gnomAD no frequency).

Literature cited by the submitters: PubMed 17576681 (cited by Labcorp Genetics (formerly Invitae), Labcorp); PubMed 9536098 (cited by Labcorp Genetics (formerly Invitae), Labcorp).